The following is an entry in ClinVar:

NM_000059.4(BRCA2):c.5110A>T (p.Arg1704Ter)

Gene: BRCA2 (BRCA2 DNA repair associated; plus strand). Cytogenetic location: 13q13.1.
Variant type: single nucleotide variant.
Coding change: c.5110A>T on transcript NM_000059.4 (MANE Select); coding-DNA position 5110, A replaced by T.
Protein change: p.Arg1704Ter; replaces arginine 1704 with a stop codon.
Molecular consequence: nonsense.
Genome position (GRCh38, 1-based): chr13:32,339,465, A>T. VCF-style: chr13-32339465-A-T. GRCh37 (hg19) VCF-style: chr13-32913602-A-T.
Other names: short protein forms R1704*.
Identifiers: ClinVar variation 422242 (VCV000422242.53), dbSNP rs1064795652, ClinGen allele CA16619718.

ClinVar aggregate classification (germline): Pathogenic. Review status: reviewed by expert panel (3 of 4 stars). 5 submissions from 5 submitters: Pathogenic (1). 4 of the submissions do not count toward it. Last evaluated 2017-12-15.

Conditions:
Hereditary cancer-predisposing syndrome. Also called: Hereditary neoplastic syndrome; Hereditary Cancer Syndrome; Neoplastic Syndromes, Hereditary; Tumor predisposition. Identifiers: Orphanet 140162, MedGen C0027672, MeSH D009386, MONDO:0015356.
Hereditary breast ovarian cancer syndrome. Also called: Hereditary breast and ovarian cancer syndrome; BRCA1- and BRCA2-Associated Hereditary Breast and Ovarian Cancer; Hereditary breast and/or ovarian cancer syndrome; Hereditary breast and ovarian cancer; Breast and ovarian cancer; Hereditary breast and ovarian cancer syndrome (HBOC). Identifiers: Orphanet 145, MedGen C0677776, MeSH D061325, MONDO:0003582. Disease mechanism: loss of function.
Breast-ovarian cancer, familial, susceptibility to, 2 (BROVCA2). Also called: BRCA2 Hereditary Breast and Ovarian Cancer. Identifiers: Orphanet 145, MedGen C2675520, MONDO:0012933, OMIM 612555. Disease mechanism: loss of function.

Submissions (5):

Evidence-based Network for the Interpretation of Germline Mutant Alleles (ENIGMA)
Classification: Pathogenic for Breast-ovarian cancer, familial, susceptibility to, 2. Last evaluated: 2017-12-15. Review status: reviewed by expert panel. Criteria: ENIGMA BRCA1/2 Classification Criteria (2017-06-29). Collection method: curation. Allele origin: germline. Study: ENIGMA.
Comment: Variant allele predicted to encode a truncated non-functional protein.

Labcorp Genetics (formerly Invitae), Labcorp
Classification: Pathogenic for Hereditary breast ovarian cancer syndrome. Last evaluated: 2025-08-20. Review status: criteria provided, single submitter. Criteria: Invitae Variant Classification Sherloc (09022015). Collection method: clinical testing. Allele origin: germline. Not counted in ClinVar's aggregate classification.
Comment: This sequence change creates a premature translational stop signal (p.Arg1704*) in the BRCA2 gene. It is expected to result in an absent or disrupted protein product. Loss-of-function variants in BRCA2 are known to be pathogenic (PMID: 20104584). This variant is not present in population databases (gnomAD no frequency). This premature translational stop signal has been observed in individual(s) with ovarian cancer (PMID: 30322717). ClinVar contains an entry for this variant (Variation ID: 422242). For these reasons, this variant has been classified as Pathogenic.

Ambry Genetics
Classification: Pathogenic for Hereditary cancer-predisposing syndrome. Last evaluated: 2023-11-22. Review status: criteria provided, single submitter. Criteria: Ambry Variant Classification Scheme 2023. Collection method: clinical testing. Allele origin: germline. Not counted in ClinVar's aggregate classification.
Comment: The p.R1704* pathogenic mutation (also known as c.5110A>T), located in coding exon 10 of the BRCA2 gene, results from an A to T substitution at nucleotide position 5110. This changes the amino acid from an arginine to a stop codon within coding exon 10. This variant was identified in a cohort of 4439 women with ovarian cancer undergoing multigene panel testing at one laboratory (Carter NJ et al. Gynecol Oncol, 2018 12;151:481-488). In addition to the clinical data presented in the literature, this alteration is expected to result in loss of function by premature protein truncation or nonsense-mediated mRNA decay. As such, this alteration is interpreted as a disease-causing mutation.

Revvity Omics, Revvity
Classification: Likely pathogenic. Last evaluated: 2022-02-08. Review status: criteria provided, single submitter. Criteria: ACMG Guidelines, 2015. Collection method: clinical testing. Allele origin: germline. Not counted in ClinVar's aggregate classification.

GeneDx
Classification: Pathogenic. Last evaluated: 2016-09-15. Review status: criteria provided, single submitter. Criteria: GeneDx Variant Classification (06012015). Collection method: clinical testing. Allele origin: germline. Affected: yes. Not counted in ClinVar's aggregate classification.
Comment: This variant is denoted BRCA2 c.5110A>T at the cDNA level and p.Arg1704Ter (R1704X) at the protein level. The substitution creates a nonsense variant, which changes an Arginine to a premature stop codon (AGA>TGA), and is predicted to cause loss of normal protein function through either protein truncation or nonsense-mediated mRNA decay. Although this variant has not, to our knowledge, been reported in the literature, it is considered pathogenic.

Literature cited by the submitters: PubMed 20104584 (cited by Labcorp Genetics (formerly Invitae), Labcorp); PubMed 30322717 (cited by Labcorp Genetics (formerly Invitae), Labcorp and Ambry Genetics).